The following is an entry in ClinVar:

NM_000169.3(GLA):c.842_844del (p.Val281_Thr282delinsAla)

Genes: GLA (galactosidase alpha; minus strand), RPL36A-HNRNPH2 (RPL36A-HNRNPH2 readthrough; plus strand). Cytogenetic location: Xq22.1.
Variant type: Deletion.
Coding change: c.842_844del on transcript NM_000169.3 (MANE Select); coding-DNA positions 842 to 844, 3 bases deleted (TAA; older notation c.842_844delTAA).
Protein change: p.Val281_Thr282delinsAla.
Molecular consequence: inframe indel. On other transcripts: non-coding transcript variant (3), intron variant (2).
Genome position (GRCh38, 1-based): chrX:101,398,525-101,398,527, TTA deleted on the plus strand (TAA on the coding strand, the reverse complement: GLA is on the minus strand). VCF-style (leftmost placement, unchanged base first): chrX-101398524-GTTA-G. GRCh37 (hg19) VCF-style: chrX-100653512-GTTA-G.
Other names: c.965_967del, p.Val322_Thr323delinsAla (NM_001406747.1); c.842_844del, p.Val281_Thr282delinsAla (NM_001406748.1); c.300+3068_300+3070del (NM_001199973.2); c.177+6703_177+6705del (NM_001199974.2); c.842_844del (NM_000169.2).
Identifiers: ClinVar variation 500793 (VCV000500793.21), dbSNP rs1555985004, ClinGen allele CA658799812.

ClinVar aggregate classification (germline): Conflicting classifications of pathogenicity. Review status: criteria provided, conflicting classifications (1 of 4 stars). 5 submissions from 5 submitters: Pathogenic (1); Uncertain significance (4). Last evaluated 2026-09-08.

Conditions:
Fabry disease. Also called: GLA DEFICIENCY; Fabry's disease; ALPHA-GALACTOSIDASE A DEFICIENCY; ANDERSON-FABRY DISEASE; CERAMIDE TRIHEXOSIDASE DEFICIENCY; Ceramide trihexosidosis. Identifiers: Orphanet 324, MedGen C0002986, MONDO:0010526, OMIM 301500, HP:0001071. Disease mechanism: Fabry disease is due to inactivating mutations in the X-linked GLA gene resulting in deficiency of the enzyme Alpha Galactosidase-A., loss of function.

Submissions (5):

Genomenon, Inc
Classification: Uncertain significance for Fabry disease. Last evaluated: 2026-09-08. Review status: criteria provided, single submitter. Criteria: Genomenon Sequence Variant Interpretation Standards - Updated. Collection method: curation. Allele origin: germline. Affected: yes.
Comment: GLA p.Val281_Thr282delinsAla (c.842_844del) is an in-frame deletion-insertion variant resulting in the replacement of Valine at codon 281 and Threonine at codon 282, with a single Alanine. This variant has been observed in at least one proband with clinical features consistent with Fabry disease (PMID:25795794;32127409;11322659). Functional or patient cell studies have been reported (PMID:32127409). It is absent or not present at a significant frequency in gnomAD. In conclusion, we classify GLA p.Val281_Thr282delinsAla (c.842_844del) as a variant of uncertain significance.

Revvity Omics, Revvity
Classification: Uncertain significance. Last evaluated: 2022-07-28. Review status: criteria provided, single submitter. Criteria: ACMG Guidelines, 2015. Collection method: clinical testing. Allele origin: germline.

Genome-Nilou Lab
Classification: Uncertain significance for Fabry disease. Last evaluated: 2021-07-15. Review status: criteria provided, single submitter. Criteria: ACMG Guidelines, 2015. Collection method: clinical testing. Allele origin: germline. Affected: no.

Labcorp Genetics (formerly Invitae), Labcorp
Classification: Uncertain significance for Fabry disease. Last evaluated: 2020-06-24. Review status: criteria provided, single submitter. Criteria: Invitae Variant Classification Sherloc (09022015). Collection method: clinical testing. Allele origin: germline.
Comment: This variant has been observed in individual(s) with Fabry disease (PMID: 11322659, Invitae). This variant is also known as 842delTAA in the literature. ClinVar contains an entry for this variant (Variation ID: 500793). In summary, the available evidence is currently insufficient to determine the role of this variant in disease. Therefore, it has been classified as a Variant of Uncertain Significance. Experimental studies and prediction algorithms are not available or were not evaluated, and the functional significance of this variant is currently unknown. This variant is not present in population databases (ExAC no frequency). This variant, c.842_844del, is a complex sequence change that results in the deletion of two and insertion of one amino acid(s) in the GLA protein (p.Val281_Thr282delinsAla).

Eurofins Ntd Llc (ga)
Classification: Pathogenic. Last evaluated: 2017-03-15. Review status: criteria provided, single submitter. Criteria: EGL Classification Definitions 2015. Collection method: clinical testing. Allele origin: germline.

Literature cited by the submitters: PubMed 25795794 (cited by Genomenon, Inc); PubMed 32127409 (cited by Genomenon, Inc); PubMed 11322659 (cited by Genomenon, Inc and Labcorp Genetics (formerly Invitae), Labcorp).